The following is an entry in ClinVar:

NM_020638.3(FGF23):c.458C>G (p.Pro153Arg)

Gene: FGF23 (fibroblast growth factor 23; minus strand). Cytogenetic location: 12p13.32.
Variant type: single nucleotide variant.
Coding change: c.458C>G on transcript NM_020638.3 (MANE Select); coding-DNA position 458, C replaced by G.
Protein change: p.Pro153Arg; replaces proline 153 with arginine.
Molecular consequence: missense variant.
Genome position (GRCh38, 1-based): chr12:4,370,641, G>C on the plus strand (C>G on the coding strand, the complement: FGF23 is on the minus strand). VCF-style: chr12-4370641-G-C. GRCh37 (hg19) VCF-style: chr12-4479807-G-C.
Other names: short protein forms P153R.
Identifiers: ClinVar variation 1463219 (VCV001463219.6), dbSNP rs1865053647, ClinGen allele CA383416252.
Genomic context (GRCh38, chr12:4,370,641, plus strand): 5'-ATGGGGGTGTTGAAGTGAATTAGGGGGATCTCGTTCCTCCGGGACAGGAACTGGGAGTAC[G>C]GGGGTGGGTTCATGCCTGGCAGGAAGGCTCTCTTCGCCCGGCCCAGACTGACCAGGAAGT-3'
Protein context (NP_065689.1, residues 143-163): RAFLPGMNPP[Pro153Arg]YSQFLSRRNE

ClinVar aggregate classification (germline): Uncertain significance (1 of 4 stars; one submission).

Submission:

Labcorp Genetics (formerly Invitae), Labcorp
Classification: Uncertain significance. Last evaluated: 2022-06-13. Review status: criteria provided, single submitter. Criteria: Invitae Variant Classification Sherloc (09022015). Collection method: clinical testing. Allele origin: germline.
Comment: This sequence change replaces proline, which is neutral and non-polar, with arginine, which is basic and polar, at codon 153 of the FGF23 protein (p.Pro153Arg). This variant is not present in population databases (gnomAD no frequency). This variant has not been reported in the literature in individuals affected with FGF23-related conditions. Algorithms developed to predict the effect of missense changes on protein structure and function are either unavailable or do not agree on the potential impact of this missense change (SIFT: "Tolerated"; PolyPhen-2: "Probably Damaging"; Align-GVGD: "Class C0"). In summary, the available evidence is currently insufficient to determine the role of this variant in disease. Therefore, it has been classified as a Variant of Uncertain Significance.